The following is an entry in ClinVar:

ClinVar aggregate classification (germline): Benign/Likely benign. Review status: criteria provided, multiple submitters, no conflicts (2 of 4 stars). 3 submissions from 3 submitters: Benign (2); Likely benign (1). Last evaluated 2026-03-01.

Allele frequency attached by ClinVar (database versions not stated): ExAC below 0.00001; gnomAD 0.00003; gnomAD exomes 0.00007 and 0.00038; TOPMed 0.00017.
gnomAD v4.1: 92 of 1,536,968 alleles (0.006%); highest among the groups gnomAD compares: Admixed American, 0.15%; 1 homozygote.

Submissions (3):

CeGaT Center for Human Genetics Tuebingen
Classification: Likely benign. Last evaluated: 2026-03-01. Review status: criteria provided, single submitter. Criteria: CeGaT Center For Human Genetics Tuebingen Variant Classification Criteria Version 2. Collection method: clinical testing. Allele origin: germline. Affected: yes. Observed: 1 variant allele.
Comment: PIEZO1: BP4, BP7

Labcorp Genetics (formerly Invitae), Labcorp
Classification: Benign. Last evaluated: 2026-01-15. Review status: criteria provided, single submitter. Criteria: Invitae Variant Classification Sherloc (09022015). Collection method: clinical testing. Allele origin: germline.

ARUP Laboratories, Molecular Genetics and Genomics, ARUP Laboratories
Classification: Benign. Last evaluated: 2023-11-17. Review status: criteria provided, single submitter. Criteria: ARUP Molecular Germline Variant Investigation Process 2024. Collection method: clinical testing. Allele origin: germline.

NM_001142864.4(PIEZO1):c.4674C>T (p.Gly1558=)

Gene: PIEZO1 (piezo type mechanosensitive ion channel component 1 (Er blood group); minus strand). Cytogenetic location: 16q24.3.
Variant type: single nucleotide variant.
Coding change: c.4674C>T on transcript NM_001142864.4 (MANE Select); coding-DNA position 4674, C replaced by T.
Protein change: p.Gly1558=; no amino-acid change (glycine 1558 retained).
Molecular consequence: synonymous variant.
Genome position (GRCh38, 1-based): chr16:88,722,684, G>A on the plus strand (C>T on the coding strand, the complement: PIEZO1 is on the minus strand). VCF-style: chr16-88722684-G-A. GRCh37 (hg19) VCF-style: chr16-88789092-G-A.
Identifiers: ClinVar variation 731658 (VCV000731658.20), dbSNP rs764192930, ClinGen allele CA8232070.